The following is an entry in ClinVar:

NM_005445.4(SMC3):c.3114G>A (p.Lys1038=)

Gene: SMC3 (structural maintenance of chromosomes 3; plus strand). Cytogenetic location: 10q25.2.
Variant type: single nucleotide variant.
Coding change: c.3114G>A on transcript NM_005445.4 (MANE Select); coding-DNA position 3114, G replaced by A.
Protein change: p.Lys1038=; no amino-acid change (lysine 1038 retained).
Molecular consequence: synonymous variant.
Genome position (GRCh38, 1-based): chr10:110,602,482, G>A. VCF-style: chr10-110602482-G-A. GRCh37 (hg19) VCF-style: chr10-112362240-G-A.
Identifiers: ClinVar variation 4985130 (VCV004985130.1).
Genomic context (GRCh38, chr10:110,602,482, plus strand): 5'-GTTATATATAATTCTAAGCAAAATTTATATTTCAATCTGCTTTTGTTTTAAGGTATCTAA[G>A]AACTTCAGTGAAGTATTCCAGAAGTTAGTACCTGGTGGCAAAGCTACTTTGGTGATGAAG-3'
Protein context (NP_005436.1, residues 1028-1048): AIQLTFKQVS[Lys1038=]NFSEVFQKLV

ClinVar aggregate classification (germline): Likely benign (1 of 4 stars; one submission).

Conditions:
SMC3-related disorder. Also called: SMC3-related condition.

gnomAD v4.1: 20 of 1,612,056 alleles (0.0012%); highest among the groups gnomAD compares: Middle Eastern, 0.019%; no homozygotes.

Submission:

PreventionGenetics, part of Exact Sciences
Classification: Likely benign for SMC3-related condition. Last evaluated: 2025-07-23. Review status: criteria provided, single submitter. Criteria: ACMG Guidelines, 2015. Collection method: clinical testing. Allele origin: germline.
Comment: This variant is classified as likely benign based on ACMG/AMP sequence variant interpretation guidelines (Richards et al. 2015 PMID: 25741868, with internal and published modifications).